The following is an entry in ClinVar:

ClinVar aggregate classification (germline): Uncertain significance. Review status: criteria provided, multiple submitters, no conflicts (2 of 4 stars). 5 submissions from 5 submitters: Uncertain significance (5). Last evaluated 2025-12-16.

Conditions:
Cardiovascular phenotype. Identifiers: MedGen CN230736.
Cardiomyopathy (CMYO). Also called: Cardiomyopathies. Identifiers: Orphanet 167848, MedGen C0878544, MONDO:0004994, HP:0001638. Inheritance: Various modes of inheritance.
Catecholaminergic polymorphic ventricular tachycardia (CVPT). Also called: Catecholamine-induced polymorphic ventricular tachycardia. Identifiers: Orphanet 3286, MedGen C5574922, MONDO:0017990.
Catecholaminergic polymorphic ventricular tachycardia 1. Also called: VENTRICULAR TACHYCARDIA, CATECHOLAMINERGIC POLYMORPHIC, 1, WITH OR WITHOUT ATRIAL DYSFUNCTION AND/OR DILATED CARDIOMYOPATHY; VENTRICULAR TACHYCARDIA, STRESS-INDUCED POLYMORPHIC 1; RYR2-Related Catecholaminergic Polymorphic Ventricular Tachycardia. Identifiers: Orphanet 3286, MedGen C1631597, MONDO:0011484, OMIM 604772.

Allele frequency attached by ClinVar (database versions not stated): gnomAD 0.00003; gnomAD exomes below 0.00001 and 0.00001; ExAC 0.00001; TOPMed 0.00002.
gnomAD v4.1: 6 of 1,613,916 alleles (0.00037%); highest among the groups gnomAD compares: African/African-American, 0.008%; no homozygotes.

Submissions (5):

Labcorp Genetics (formerly Invitae), Labcorp
Classification: Uncertain significance for Catecholaminergic polymorphic ventricular tachycardia 1. Last evaluated: 2025-12-16. Review status: criteria provided, single submitter. Criteria: Invitae Variant Classification Sherloc (09022015). Collection method: clinical testing. Allele origin: germline.
Comment: This sequence change replaces isoleucine, which is neutral and non-polar, with threonine, which is neutral and polar, at codon 1689 of the RYR2 protein (p.Ile1689Thr). This variant is present in population databases (rs763907583, gnomAD 0.01%). This variant has not been reported in the literature in individuals affected with RYR2-related conditions. ClinVar contains an entry for this variant (Variation ID: 842393). Invitae Evidence Modeling of protein sequence and biophysical properties (such as structural, functional, and spatial information, amino acid conservation, physicochemical variation, residue mobility, and thermodynamic stability) has been performed for this missense variant. However, the output from this modeling did not meet the statistical confidence thresholds required to predict the impact of this variant on RYR2 protein function. In summary, the available evidence is currently insufficient to determine the role of this variant in disease. Therefore, it has been classified as a Variant of Uncertain Significance.

All of Us Research Program, National Institutes of Health
Classification: Uncertain significance for Catecholaminergic polymorphic ventricular tachycardia. Last evaluated: 2024-08-06. Review status: criteria provided, single submitter. Criteria: ACMG Guidelines, 2015. Collection method: clinical testing. Allele origin: germline. Inheritance: Autosomal dominant inheritance. Observed: 1 variant allele, 1 heterozygote.
Comment: This missense variant replaces isoleucine with threonine at codon 1689 of the RYR2 protein. Computational prediction suggests that this variant may have deleterious impact on protein structure and function (internally defined REVEL score threshold >= 0.7, PMID: 27666373). Splice site prediction tools suggest that this variant may not impact RNA splicing. To our knowledge, functional studies have not been performed for this variant. This variant has not been reported in individuals affected with cardiovascular disorders in the literature. This variant has been identified in 2/249226 chromosomes in the general population by the Genome Aggregation Database (gnomAD). The available evidence is insufficient to determine the role of this variant in disease conclusively. Therefore, this variant is classified as a Variant of Uncertain Significance.

This study involves interpretation of variants in research participants for the purpose of population health screening. Participant phenotype was not available at the time of variant classification. Additional details can be found in publication PMID: 35346344, PMCID: PMC8962531

Color Diagnostics, LLC DBA Color Health
Classification: Uncertain significance for Cardiomyopathy. Last evaluated: 2024-03-06. Review status: criteria provided, single submitter. Criteria: ACMG Guidelines, 2015. Collection method: clinical testing. Allele origin: germline.
Comment: This missense variant replaces isoleucine with threonine at codon 1689 of the RYR2 protein. Computational prediction suggests that this variant may have deleterious impact on protein structure and function (internally defined REVEL score threshold >= 0.7, PMID: 27666373). Splice site prediction tools suggest that this variant may not impact RNA splicing. To our knowledge, functional studies have not been performed for this variant. This variant has not been reported in individuals affected with cardiovascular disorders in the literature. This variant has been identified in 2/249226 chromosomes in the general population by the Genome Aggregation Database (gnomAD). The available evidence is insufficient to determine the role of this variant in disease conclusively. Therefore, this variant is classified as a Variant of Uncertain Significance.

Ambry Genetics
Classification: Uncertain significance for Cardiovascular phenotype. Last evaluated: 2021-04-10. Review status: criteria provided, single submitter. Criteria: Ambry Variant Classification Scheme 2023. Collection method: clinical testing. Allele origin: germline.
Comment: The p.I1689T variant (also known as c.5066T>C), located in coding exon 37 of the RYR2 gene, results from a T to C substitution at nucleotide position 5066. The isoleucine at codon 1689 is replaced by threonine, an amino acid with similar properties. This amino acid position is highly conserved in available vertebrate species. In addition, this alteration is predicted to be deleterious by in silico analysis. Since supporting evidence is limited at this time, the clinical significance of this alteration remains unclear.

GeneDx
Classification: Uncertain significance. Last evaluated: 2020-06-25. Review status: criteria provided, single submitter. Criteria: GeneDx Variant Classification Process June 2021. Collection method: clinical testing. Allele origin: germline. Affected: yes.
Comment: Has not been previously published as pathogenic or benign to our knowledge; Reported in ClinVar as a variant of uncertain significance (ClinVar Variant ID# 842393; Landrum et al., 2016); Not observed at a significant frequency in large population cohorts (Lek et al., 2016); In silico analysis supports that this missense variant has a deleterious effect on protein structure/function; Not located in one of the three hot-spot regions of the RYR2 gene, where the majority of pathogenic missense variants occur (Medeiros-Domingo et al., 2009)

NM_001035.3(RYR2):c.5066T>C (p.Ile1689Thr)

Gene: RYR2 (ryanodine receptor 2; plus strand). Cytogenetic location: 1q43.
Variant type: single nucleotide variant.
Coding change: c.5066T>C on transcript NM_001035.3 (MANE Select); coding-DNA position 5066, T replaced by C.
Protein change: p.Ile1689Thr; replaces isoleucine 1689 with threonine.
Molecular consequence: missense variant.
Genome position (GRCh38, 1-based): chr1:237,614,194, T>C. VCF-style: chr1-237614194-T-C. GRCh37 (hg19) VCF-style: chr1-237777494-T-C.
Other names: short protein forms I1689T.
Identifiers: ClinVar variation 842393 (VCV000842393.20), dbSNP rs763907583, ClinGen allele CA086829.
Genomic context (GRCh38, chr1:237,614,194, plus strand): 5'-ACCACCGGGTGGCCCATGCCCTGTGCAGCCATGTGGATGAACCTCAGCTCCTCTATGCCA[T>C]TGAGAACAAGTACATGCCTGGTTTGCTGCGTGCTGGCTACTATGACCTGCTGATTGACAT-3'
Protein context (NP_001026.2, residues 1679-1699): HVDEPQLLYA[Ile1689Thr]ENKYMPGLLR